The following is an entry in ClinVar:

ClinVar aggregate classification (germline): Uncertain significance. Review status: criteria provided, multiple submitters, no conflicts (2 of 4 stars). 2 submissions from 2 submitters: Uncertain significance (2). Last evaluated 2025-11-18.

Submissions (2):

Labcorp Genetics (formerly Invitae), Labcorp
Classification: Uncertain significance. Last evaluated: 2025-11-18. Review status: criteria provided, single submitter. Criteria: Invitae Variant Classification Sherloc (09022015). Collection method: clinical testing. Allele origin: germline.
Comment: This sequence change replaces lysine, which is basic and polar, with arginine, which is basic and polar, at codon 283 of the HS6ST1 protein (p.Lys283Arg). This variant is not present in population databases (gnomAD no frequency). This variant has not been reported in the literature in individuals affected with HS6ST1-related conditions. ClinVar contains an entry for this variant (Variation ID: 1335399). Invitae Evidence Modeling of protein sequence and biophysical properties (such as structural, functional, and spatial information, amino acid conservation, physicochemical variation, residue mobility, and thermodynamic stability) indicates that this missense variant is not expected to disrupt HS6ST1 protein function with a negative predictive value of 80%. In summary, the available evidence is currently insufficient to determine the role of this variant in disease. Therefore, it has been classified as a Variant of Uncertain Significance.

CeGaT Center for Human Genetics Tuebingen
Classification: Uncertain significance. Last evaluated: 2021-12-01. Review status: criteria provided, single submitter. Criteria: CeGaT Center For Human Genetics Tuebingen Variant Classification Criteria Version 2. Collection method: clinical testing. Allele origin: germline. Affected: yes. Observed: 1 variant allele.

NM_004807.3(HS6ST1):c.848A>G (p.Lys283Arg)

Gene: HS6ST1 (heparan sulfate 6-O-sulfotransferase 1; minus strand). Cytogenetic location: 2q14.3.
Variant type: single nucleotide variant.
Coding change: c.848A>G on transcript NM_004807.3 (MANE Select); coding-DNA position 848, A replaced by G.
Protein change: p.Lys283Arg; replaces lysine 283 with arginine.
Molecular consequence: missense variant.
Genome position (GRCh38, 1-based): chr2:128,268,550, T>C on the plus strand (A>G on the coding strand, the complement: HS6ST1 is on the minus strand). VCF-style: chr2-128268550-T-C. GRCh37 (hg19) VCF-style: chr2-129026124-T-C.
Other names: short protein forms K283R.
Identifiers: ClinVar variation 1335399 (VCV001335399.36), dbSNP rs2104908773, ClinGen allele CA348461060.